The following is an entry in ClinVar:

NM_001130438.3(SPTAN1):c.3991C>T (p.Arg1331Cys)

Gene: SPTAN1 (spectrin alpha, non-erythrocytic 1; plus strand). Cytogenetic location: 9q34.11.
Variant type: single nucleotide variant.
Coding change: c.3991C>T on transcript NM_001130438.3 (MANE Select); coding-DNA position 3991, C replaced by T.
Protein change: p.Arg1331Cys; replaces arginine 1331 with cysteine.
Molecular consequence: missense variant.
Genome position (GRCh38, 1-based): chr9:128,605,422, C>T. VCF-style: chr9-128605422-C-T. GRCh37 (hg19) VCF-style: chr9-131367701-C-T.
Other names: c.3931C>T, p.Arg1311Cys (NM_001195532.2, NM_001363765.2, NM_001375314.2); c.3991C>T, p.Arg1331Cys (NM_001363759.2, NM_001375310.1, NM_001375311.2 and 2 more transcripts); c.4027C>T, p.Arg1343Cys (NM_001375312.2, NM_001375318.1); short protein forms R1331C, R1343C, R1311C.
Identifiers: ClinVar variation 3712858 (VCV003712858.2).

ClinVar aggregate classification (germline): Uncertain significance (1 of 4 stars; one submission).

Conditions:
Early-infantile DEE. Also called: Early infantile epileptic encephalopathy; Early infantile epileptic encephalopathy with suppression bursts; Ohtahara syndrome. Identifiers: Orphanet 1934, MedGen C0393706, MONDO:0800491.

gnomAD v4.1: 2 of 1,614,184 alleles (0.00012%); highest among the groups gnomAD compares: Non-Finnish European, 0.00017%; no homozygotes.

Submission:

Labcorp Genetics (formerly Invitae), Labcorp
Classification: Uncertain significance for Early-infantile DEE. Last evaluated: 2024-02-14. Review status: criteria provided, single submitter. Criteria: Invitae Variant Classification Sherloc (09022015). Collection method: clinical testing. Allele origin: germline.
Comment: This sequence change replaces arginine, which is basic and polar, with cysteine, which is neutral and slightly polar, at codon 1331 of the SPTAN1 protein (p.Arg1331Cys). This variant is not present in population databases (gnomAD no frequency). This variant has not been reported in the literature in individuals affected with SPTAN1-related conditions. Advanced modeling of protein sequence and biophysical properties (such as structural, functional, and spatial information, amino acid conservation, physicochemical variation, residue mobility, and thermodynamic stability) has been performed at Invitae for this missense variant, however the output from this modeling did not meet the statistical confidence thresholds required to predict the impact of this variant on SPTAN1 protein function. In summary, the available evidence is currently insufficient to determine the role of this variant in disease. Therefore, it has been classified as a Variant of Uncertain Significance.